The following is an entry in ClinVar:

ClinVar aggregate classification (germline): Pathogenic (1 of 4 stars; one submission).

Submission:

Labcorp Genetics (formerly Invitae), Labcorp
Classification: Pathogenic. Last evaluated: 2023-08-04. Review status: criteria provided, single submitter. Criteria: Invitae Variant Classification Sherloc (09022015). Collection method: clinical testing. Allele origin: germline.
Comment: This sequence change creates a premature translational stop signal (p.Pro686Argfs*89) in the LTBP4 gene. It is expected to result in an absent or disrupted protein product. Loss-of-function variants in LTBP4 are known to be pathogenic (PMID: 19836010, 22829427). This variant is not present in population databases (gnomAD no frequency). This variant has not been reported in the literature in individuals affected with LTBP4-related conditions. ClinVar contains an entry for this variant (Variation ID: 1970671). For these reasons, this variant has been classified as Pathogenic.

Literature cited by the submitters: PubMed 19836010; PubMed 22829427.

NM_001042545.2(LTBP4):c.1965_1966dup (p.Pro656fs)

Gene: LTBP4 (latent transforming growth factor beta binding protein 4; plus strand). Cytogenetic location: 19q13.2.
Variant type: Duplication.
Coding change: c.1965_1966dup on transcript NM_001042545.2 (MANE Select); coding-DNA positions 1965 to 1966, 2 bases duplicated (GC; older notation c.1965_1966dupGC).
Protein change: p.Pro656fs; shifts the reading frame from proline 656.
Molecular consequence: frameshift variant.
Genome position (GRCh38, 1-based): chr19:40,611,306-40,611,307, GC duplicated. VCF-style (leftmost placement, unchanged base first): chr19-40611305-G-GGC. GRCh37 (hg19) VCF-style: chr19-41117211-G-GGC.
Other names: c.2166_2167dup, p.Pro723fs (NM_001042544.1); c.2055_2056dup, p.Pro686fs (NM_003573.2); short protein forms P686fs, P723fs, P656fs.
Identifiers: ClinVar variation 1970671 (VCV001970671.5), dbSNP rs2515360712, ClinGen allele CA2580097268.